The following is an entry in ClinVar:

NM_003647.3(DGKE):c.1057del (p.Gln353fs)

Gene: DGKE (diacylglycerol kinase epsilon; plus strand). Cytogenetic location: 17q22.
Variant type: Deletion.
Coding change: c.1057del on transcript NM_003647.3 (MANE Select); coding-DNA position 1057, one base deleted (C; older notation c.1057delC).
Protein change: p.Gln353fs; shifts the reading frame from glutamine 353.
Molecular consequence: frameshift variant.
Genome position (GRCh38, 1-based): chr17:56,849,191, C deleted. VCF-style (leftmost placement, unchanged base first): chr17-56849190-TC-T. GRCh37 (hg19) VCF-style: chr17-54926551-TC-T.
Other names: p.Gln353Lysfs*2; short protein forms Q353fs.
Identifiers: ClinVar variation 2683681 (VCV002683681.1), dbSNP rs2509301277, ClinGen allele CA2697560316.
Genomic context (GRCh38, chr17:56,849,190, plus strand): 5'-GTATGGGGTTTATTGTAAAACGTGCTGTTTTTTTTAACTTCTGTTTTTTAGATGGAAAGT[TC>T]AAGTAACAAATAAAGGATACTACAACTTAAGAAAACCCAAGGTATGTTGTTAGTGCCTCA-3'

ClinVar aggregate classification (germline): Likely pathogenic (1 of 4 stars; one submission).

Submission:

Mayo Clinic Laboratories, Mayo Clinic
Classification: Likely pathogenic. Last evaluated: 2022-09-01. Review status: criteria provided, single submitter. Criteria: ACMG Guidelines, 2015. Collection method: clinical testing. Allele origin: germline. Observed: 1 variant allele.
Comment: PM2_supporting, PVS1